The following is an entry in ClinVar:

NM_005787.6(ALG3):c.953C>T (p.Ser318Leu)

Gene: ALG3 (ALG3 alpha-1,3- mannosyltransferase; minus strand). Cytogenetic location: 3q27.1.
Variant type: single nucleotide variant.
Coding change: c.953C>T on transcript NM_005787.6 (MANE Select); coding-DNA position 953, C replaced by T.
Protein change: p.Ser318Leu; replaces serine 318 with leucine.
Molecular consequence: missense variant. On other transcripts: non-coding transcript variant (2).
Genome position (GRCh38, 1-based): chr3:184,243,610, G>A on the plus strand (C>T on the coding strand, the complement: ALG3 is on the minus strand). VCF-style: chr3-184243610-G-A. GRCh37 (hg19) VCF-style: chr3-183961398-G-A.
Other names: c.809C>T, p.Ser270Leu (NM_001006941.2); short protein forms S270L, S318L.
Identifiers: ClinVar variation 996585 (VCV000996585.6), dbSNP rs756802179, ClinGen allele CA2729371.

ClinVar aggregate classification (germline): Uncertain significance. Review status: criteria provided, multiple submitters, no conflicts (2 of 4 stars). 3 submissions from 3 submitters: Uncertain significance (2). 1 of the submissions does not count toward it. Last evaluated 2025-03-18.

Conditions:
Intellectual disability. Also called: Intellectual functioning disability; intellectual disabilities; Intellectual developmental disorder. Identifiers: MedGen C3714756, MeSH D008607, MONDO:0001071, HP:0001249.
ALG3-congenital disorder of glycosylation. Also called: CARBOHYDRATE-DEFICIENT GLYCOPROTEIN SYNDROME, TYPE IV; CDGS, TYPE IV; CONGENITAL DISORDER OF GLYCOSYLATION, TYPE Id; CDG Id; ALG3-CDG. Identifiers: Orphanet 79321, MedGen C1832736, MONDO:0010998, OMIM 601110.

Allele frequency attached by ClinVar (database versions not stated): gnomAD exomes 0.00001; gnomAD 0.00001; TOPMed 0.00001; ExAC 0.00001.
gnomAD v4.1: 12 of 1,613,756 alleles (0.00074%); highest among the groups gnomAD compares: Admixed American, 0.0033%; no homozygotes.

Submissions (3):

Women's Health and Genetics/Laboratory Corporation of America, LabCorp
Classification: Uncertain significance. Last evaluated: 2025-03-18. Review status: criteria provided, single submitter. Criteria: LabCorp Variant Classification Summary - May 2015. Collection method: clinical testing. Allele origin: germline.
Comment: Variant summary: ALG3 c.953C>T (p.Ser318Leu) results in a non-conservative amino acid change in the encoded protein sequence. Three of five in-silico tools predict a damaging effect of the variant on protein function. The variant allele was found at a frequency of 1.2e-05 in 249148 control chromosomes (gnomAD). The available data on variant occurrences in the general population are insufficient to allow any conclusion about variant significance. c.953C>T has been reported in the literature in two homozygous individuals who had poor speech and seizures in one family (Santos-Cortez_2018). The report does not provide unequivocal conclusions about association of the variant with ALG3-congenital disorder of glycosylation. To our knowledge, no experimental evidence demonstrating an impact on protein function has been reported. The following publication have been ascertained in the context of this evaluation (PMID: 30167849). ClinVar contains an entry for this variant (Variation ID: 996585). Based on the evidence outlined above, the variant was classified as uncertain significance.

Labcorp Genetics (formerly Invitae), Labcorp
Classification: Uncertain significance for ALG3-congenital disorder of glycosylation. Last evaluated: 2022-08-29. Review status: criteria provided, single submitter. Criteria: Invitae Variant Classification Sherloc (09022015). Collection method: clinical testing. Allele origin: germline.
Comment: In summary, the available evidence is currently insufficient to determine the role of this variant in disease. Therefore, it has been classified as a Variant of Uncertain Significance. Algorithms developed to predict the effect of missense changes on protein structure and function (SIFT, PolyPhen-2, Align-GVGD) all suggest that this variant is likely to be tolerated. ClinVar contains an entry for this variant (Variation ID: 996585). This missense change has been observed in individual(s) with clinical features of ALG3-congenital disorder of glycosylation (PMID: 30167849). This variant is present in population databases (rs756802179, gnomAD 0.006%). This sequence change replaces serine, which is neutral and polar, with leucine, which is neutral and non-polar, at codon 318 of the ALG3 protein (p.Ser318Leu).

University of Washington Center for Mendelian Genomics, University of Washington
Classification: Likely pathogenic for Intellectual Disability. Review status: no assertion criteria provided. Collection method: research. Allele origin: inherited. Affected: yes. Not counted in ClinVar's aggregate classification.

Literature cited by the submitters: PubMed 30167849 (cited by 3 submitters).